The following is an entry in ClinVar:

NM_018993.4(RIN2):c.923C>G (p.Pro308Arg)

Gene: RIN2 (Ras and Rab interactor 2; plus strand). Cytogenetic location: 20p11.23.
Variant type: single nucleotide variant.
Coding change: c.923C>G on transcript NM_018993.4 (MANE Select); coding-DNA position 923, C replaced by G.
Protein change: p.Pro308Arg; replaces proline 308 with arginine.
Molecular consequence: missense variant.
Genome position (GRCh38, 1-based): chr20:19,974,948, C>G. VCF-style: chr20-19974948-C-G. GRCh37 (hg19) VCF-style: chr20-19955592-C-G.
Other names: c.1070C>G, p.Pro357Arg (NM_001242581.2); c.305C>G, p.Pro102Arg (NM_001378238.1); c.923C>G (NM_018993.3); short protein forms P357R, P102R, P308R.
Identifiers: ClinVar variation 2084485 (VCV002084485.2), dbSNP rs374058245, ClinGen allele CA9779971.

ClinVar aggregate classification (germline): Uncertain significance. Review status: criteria provided, multiple submitters, no conflicts (2 of 4 stars). 2 submissions from 2 submitters: Uncertain significance (2). Last evaluated 2024-10-25.

Conditions:
Inborn genetic diseases. Identifiers: MedGen C0950123, MeSH D030342.

gnomAD v4.1: 73 of 1,603,664 alleles (0.0046%); highest among the groups gnomAD compares: East Asian, 0.074%; no homozygotes.

Submissions (2):

Ambry Genetics
Classification: Uncertain significance for Inborn genetic diseases. Last evaluated: 2024-10-25. Review status: criteria provided, single submitter. Criteria: Ambry Variant Classification Scheme 2023. Collection method: clinical testing. Allele origin: germline.

Labcorp Genetics (formerly Invitae), Labcorp
Classification: Uncertain significance. Last evaluated: 2022-08-21. Review status: criteria provided, single submitter. Criteria: Invitae Variant Classification Sherloc (09022015). Collection method: clinical testing. Allele origin: germline.
Comment: This sequence change replaces proline, which is neutral and non-polar, with arginine, which is basic and polar, at codon 308 of the RIN2 protein (p.Pro308Arg). The frequency data for this variant in the population databases is considered unreliable, as metrics indicate poor data quality at this position in the gnomAD database. This variant has not been reported in the literature in individuals affected with RIN2-related conditions. Algorithms developed to predict the effect of missense changes on protein structure and function are either unavailable or do not agree on the potential impact of this missense change (SIFT: "Deleterious"; PolyPhen-2: "Not Available"; Align-GVGD: "Class C0"). In summary, the available evidence is currently insufficient to determine the role of this variant in disease. Therefore, it has been classified as a Variant of Uncertain Significance.